The following is an entry in ClinVar:

ClinVar aggregate classification (germline): Uncertain significance. Review status: criteria provided, multiple submitters, no conflicts (2 of 4 stars). 3 submissions from 3 submitters: Uncertain significance (3). Last evaluated 2025-05-02.

Conditions:
Hereditary breast ovarian cancer syndrome. Also called: Hereditary breast and/or ovarian cancer syndrome; BRCA1- and BRCA2-Associated Hereditary Breast and Ovarian Cancer; Hereditary breast and ovarian cancer; Hereditary breast and ovarian cancer syndrome (HBOC); Breast and ovarian cancer; Hereditary breast and ovarian cancer syndrome. Identifiers: Orphanet 145, MedGen C0677776, MeSH D061325, MONDO:0003582. Disease mechanism: loss of function.
Ataxia-telangiectasia syndrome (AT). Also called: Ataxia-telangiectasia, complementation group D; AT, COMPLEMENTATION GROUP C; Ataxia-telangiectasia; Ataxia telangiectasia (A-T); Ataxia-telangiectasia, complementation group E; Cerebello-oculocutaneous telangiectasia. Identifiers: Orphanet 100, MedGen C0004135, MONDO:0008840, OMIM 208900.
Hereditary cancer-predisposing syndrome. Also called: Neoplastic Syndromes, Hereditary; Hereditary neoplastic syndrome; Hereditary Cancer Syndrome; Tumor predisposition. Identifiers: Orphanet 140162, MedGen C0027672, MeSH D009386, MONDO:0015356.

Submissions (3):

Ambry Genetics
Classification: Uncertain significance for Hereditary cancer-predisposing syndrome. Last evaluated: 2025-05-02. Review status: criteria provided, single submitter. Criteria: Ambry Variant Classification Scheme 2023. Collection method: clinical testing. Allele origin: germline.
Comment: The p.E609K variant (also known as c.1825G>A), located in coding exon 11 of the ATM gene, results from a G to A substitution at nucleotide position 1825. The glutamic acid at codon 609 is replaced by lysine, an amino acid with similar properties. This amino acid position is not well conserved in available vertebrate species. In addition, the in silico prediction for this alteration is inconclusive. Since supporting evidence is limited at this time, the clinical significance of this alteration remains unclear.

German Consortium for Hereditary Breast and Ovarian Cancer, University Hospital Cologne
Classification: Uncertain significance for Hereditary breast ovarian cancer syndrome. Last evaluated: 2024-01-05. Review status: criteria provided, single submitter. Criteria: ACMG Guidelines, 2015. Collection method: curation. Allele origin: germline.
Comment: Not in functional domain, no functional data available. According to the ACMG standard criteria we chose these criteria: PM2 (supporting pathogenic): Absent from controls, BP1 (supporting benign): Not in functional domain cold spot VUS, BP4 (supporting benign): REVEL: 0.275

Labcorp Genetics (formerly Invitae), Labcorp
Classification: Uncertain significance for Ataxia-telangiectasia syndrome. Last evaluated: 2021-05-18. Review status: criteria provided, single submitter. Criteria: Invitae Variant Classification Sherloc (09022015). Collection method: clinical testing. Allele origin: germline.
Comment: This variant has not been reported in the literature in individuals with ATM-related conditions. This sequence change replaces glutamic acid with lysine at codon 609 of the ATM protein (p.Glu609Lys). The glutamic acid residue is weakly conserved and there is a small physicochemical difference between glutamic acid and lysine. This variant is not present in population databases (ExAC no frequency). Advanced modeling of protein sequence and biophysical properties (such as structural, functional, and spatial information, amino acid conservation, physicochemical variation, residue mobility, and thermodynamic stability) performed at Invitae indicates that this missense variant is not expected to disrupt ATM protein function. In summary, the available evidence is currently insufficient to determine the role of this variant in disease. Therefore, it has been classified as a Variant of Uncertain Significance.

NM_000051.4(ATM):c.1825G>A (p.Glu609Lys)

Gene: ATM (ATM serine/threonine kinase; plus strand). Cytogenetic location: 11q22.3.
Variant type: single nucleotide variant.
Coding change: c.1825G>A on transcript NM_000051.4 (MANE Select); coding-DNA position 1825, G replaced by A.
Protein change: p.Glu609Lys; replaces glutamic acid 609 with lysine.
Molecular consequence: missense variant.
Genome position (GRCh38, 1-based): chr11:108,252,839, G>A. VCF-style: chr11-108252839-G-A. GRCh37 (hg19) VCF-style: chr11-108123566-G-A.
Other names: c.1825G>A, p.Glu609Lys (NM_001351834.2); short protein forms E609K.
Identifiers: ClinVar variation 1403476 (VCV001403476.12), dbSNP rs779780896, ClinGen allele CA382535762.